The following is an entry in ClinVar:

ClinVar aggregate classification (germline): Uncertain significance (1 of 4 stars; one submission).

Conditions:
Rhabdoid tumor predisposition syndrome 2 (RTPS2). Identifiers: Orphanet 231108, Orphanet 69077, MedGen C2750074, MONDO:0013224, OMIM 613325.

Submission:

Labcorp Genetics (formerly Invitae), Labcorp
Classification: Uncertain significance for Rhabdoid tumor predisposition syndrome 2. Last evaluated: 2020-08-14. Review status: criteria provided, single submitter. Criteria: Invitae Variant Classification Sherloc (09022015). Collection method: clinical testing. Allele origin: germline.
Comment: In summary, the available evidence is currently insufficient to determine the role of this variant in disease. Therefore, it has been classified as a Variant of Uncertain Significance. Algorithms developed to predict the effect of missense changes on protein structure and function are either unavailable or do not agree on the potential impact of this missense change (SIFT: "Deleterious"; PolyPhen-2: "Benign"; Align-GVGD: "Class C0"). This variant has not been reported in the literature in individuals with SMARCA4-related conditions. This variant is not present in population databases (ExAC no frequency). This sequence change replaces glutamine with histidine at codon 575 of the SMARCA4 protein (p.Gln575His). The glutamine residue is highly conserved and there is a small physicochemical difference between glutamine and histidine.

NM_003072.5(SMARCA4):c.1725G>T (p.Gln575His)

Gene: SMARCA4 (SWI/SNF related BAF chromatin remodeling complex subunit ATPase 4; plus strand). Cytogenetic location: 19p13.2.
Variant type: single nucleotide variant.
Coding change: c.1725G>T on transcript NM_003072.5 (MANE Select); coding-DNA position 1725, G replaced by T.
Protein change: p.Gln575His; replaces glutamine 575 with histidine.
Molecular consequence: missense variant. On other transcripts: non-coding transcript variant (1).
Genome position (GRCh38, 1-based): chr19:10,996,344, G>T. VCF-style: chr19-10996344-G-T. GRCh37 (hg19) VCF-style: chr19-11107020-G-T.
Other names: c.1725G>T, p.Gln575His (NM_001128844.3, NM_001128845.2, NM_001128846.2 and 4 more transcripts); short protein forms Q575H.
Identifiers: ClinVar variation 1027016 (VCV001027016.8), dbSNP rs1441370371, ClinGen allele CA404064512.
Genomic context (GRCh38, chr19:10,996,344, plus strand): 5'-GCAGACAGACGAGTACGTGGCTAACCTCACGGAGCTGGTGCGGCAGCACAAGGCTGCCCA[G>T]GTCGCCAAGGAGAAAAAGAAGAAAAAGAAAAAGAAGGTGTGCTGGGCCTGGCATGGTGCC-3'
Protein context (NP_003063.2, residues 565-585): TELVRQHKAA[Gln575His]VAKEKKKKKK